The following is an entry in ClinVar:

NM_001127898.4(CLCN5):c.2389G>T (p.Asp797Tyr)

Gene: CLCN5 (Cl-/H+ antiporter 5; plus strand). Cytogenetic location: Xp11.23.
Variant type: single nucleotide variant.
Coding change: c.2389G>T on transcript NM_001127898.4 (MANE Select); coding-DNA position 2389, G replaced by T.
Protein change: p.Asp797Tyr; replaces aspartic acid 797 with tyrosine.
Molecular consequence: missense variant. On other transcripts: non-coding transcript variant (1).
Genome position (GRCh38, 1-based): chrX:50,092,157, G>T. VCF-style: chrX-50092157-G-T. GRCh37 (hg19) VCF-style: chrX-49856814-G-T.
Other names: c.2179G>T, p.Asp727Tyr (NM_000084.5); c.2389G>T, p.Asp797Tyr (NM_001127899.4); c.2239G>T, p.Asp747Tyr (NM_001282163.2); c.2401G>T, p.Asp801Tyr (NM_001440756.1, NM_001440757.1); short protein forms D727Y, D747Y, D797Y, D801Y.
Identifiers: ClinVar variation 4813577 (VCV004813577.1).

ClinVar aggregate classification (germline): Uncertain significance (1 of 4 stars; one submission).

Conditions:
Dent disease type 1 (DENT1). Also called: NEPHROLITHIASIS 2; NEPHROLITHIASIS, HYPERCALCIURIC, X-LINKED. Identifiers: Orphanet 1652, Orphanet 93622, MedGen C1848336, MONDO:0010225, OMIM 300009.

Submission:

Mendelics
Classification: Uncertain significance for Dent disease type 1. Last evaluated: 2026-03-05. Review status: criteria provided, single submitter. Criteria: ACMG Guidelines, 2015. Collection method: clinical testing. Allele origin: unknown.
Comment: The available evidence is insufficient to conclusively determine the role of this variant. Therefore, it is classified as a Variant of Uncertain Significance.